The following is an entry in ClinVar:

NM_001458.5(FLNC):c.2967C>A (p.Asn989Lys)

Gene: FLNC (filamin C; plus strand). Cytogenetic location: 7q32.1.
Variant type: single nucleotide variant.
Coding change: c.2967C>A on transcript NM_001458.5 (MANE Select); coding-DNA position 2967, C replaced by A.
Protein change: p.Asn989Lys; replaces asparagine 989 with lysine.
Molecular consequence: missense variant.
Genome position (GRCh38, 1-based): chr7:128,844,041, C>A. VCF-style: chr7-128844041-C-A. GRCh37 (hg19) VCF-style: chr7-128484095-C-A.
Other names: c.2967C>A, p.Asn989Lys (NM_001127487.2); short protein forms N989K.
Identifiers: ClinVar variation 854774 (VCV000854774.14), dbSNP rs775727204, ClinGen allele CA4474926.

ClinVar aggregate classification (germline): Conflicting classifications of pathogenicity. Review status: criteria provided, conflicting classifications (1 of 4 stars). 4 submissions from 4 submitters: Uncertain significance (2); Likely benign (2). Last evaluated 2025-10-25.

Conditions:
Cardiovascular phenotype. Identifiers: MedGen CN230736.
Myofibrillar myopathy 5. Also called: Filaminopathy (type); FILAMINOPATHY, AUTOSOMAL DOMINANT. Identifiers: Orphanet 171445, MedGen C1836050, MONDO:0012289, OMIM 609524.
Distal myopathy with posterior leg and anterior hand involvement. Also called: WILLIAMS DISTAL MYOPATHY. Identifiers: Orphanet 63273, MedGen C3279722, MONDO:0013550, OMIM 614065.
Hypertrophic cardiomyopathy 26. Also called: Cardiomyopathy, familial hypertrophic, 26. Identifiers: Orphanet 75249, MedGen C4310749, MONDO:0014883, OMIM 617047.

Allele frequency attached by ClinVar (database versions not stated): gnomAD 0.00001; gnomAD exomes 0.00001 and 0.00004; TOPMed 0.00001; ExAC 0.00002.
gnomAD v4.1: 22 of 1,614,022 alleles (0.0014%); highest among the groups gnomAD compares: Admixed American, 0.015%; no homozygotes.

Submissions (4):

Labcorp Genetics (formerly Invitae), Labcorp
Classification: Likely benign for Distal myopathy with posterior leg and anterior hand involvement; Myofibrillar myopathy 5; Hypertrophic cardiomyopathy 26. Last evaluated: 2025-10-25. Review status: criteria provided, single submitter. Criteria: Invitae Variant Classification Sherloc (09022015). Collection method: clinical testing. Allele origin: germline.

Ambry Genetics
Classification: Uncertain significance for Cardiovascular phenotype. Last evaluated: 2025-08-28. Review status: criteria provided, single submitter. Criteria: Ambry Variant Classification Scheme 2023. Collection method: clinical testing. Allele origin: germline.
Comment: The p.N989K variant (also known as c.2967C>A), located in coding exon 20 of the FLNC gene, results from a C to A substitution at nucleotide position 2967. The asparagine at codon 989 is replaced by lysine, an amino acid with similar properties. This amino acid position is conserved. In addition, this alteration is predicted to be tolerated by in silico analysis. Since supporting evidence is limited at this time, the clinical significance of this alteration remains unclear.

Revvity Omics, Revvity
Classification: Uncertain significance. Last evaluated: 2023-01-23. Review status: criteria provided, single submitter. Criteria: ACMG Guidelines, 2015. Collection method: clinical testing. Allele origin: germline.

Blueprint Genetics
Classification: Likely benign. Last evaluated: 2022-01-17. Review status: criteria provided, single submitter. Criteria: ACMG Guidelines, 2015. Collection method: clinical testing. Allele origin: germline.